The following is an entry in ClinVar:

ClinVar aggregate classification (germline): Pathogenic (1 of 4 stars; one submission).

Conditions:
Marfan syndrome (MFS). Also called: MARFAN SYNDROME, TYPE I; Marfan syndrome type 1; Marfan's syndrome; Marfan syndrome, classic; FBN1-Related Marfan Syndrome. Identifiers: Orphanet 284963, Orphanet 558, MedGen C0024796, MONDO:0007947, OMIM 154700.
Familial thoracic aortic aneurysm and aortic dissection (TAAD). Also called: Thoracic aortic aneurysms and dissections. Identifiers: Orphanet 91387, MedGen C4707243, MONDO:0019625.

Submission:

Labcorp Genetics (formerly Invitae), Labcorp
Classification: Pathogenic for Marfan syndrome; Familial thoracic aortic aneurysm and aortic dissection. Last evaluated: 2023-09-21. Review status: criteria provided, single submitter. Criteria: Invitae Variant Classification Sherloc (09022015). Collection method: clinical testing. Allele origin: unknown.
Comment: This variant is a gross deletion of the genomic region encompassing exon(s) 37-45 of the FBN1 gene. This variant would be expected to be in-frame, preserving the integrity of the reading frame. This variant has not been reported in the literature in individuals affected with FBN1-related conditions. This variant affects a cysteine residue in the EGF-like, TGFBP or hybrid motif domains of FBN1. Cysteine residues are believed to be involved in intramolecular disulfide bridges and have been shown to be important for FBN1 protein structure (PMID: 16905551, 19349279). In addition, missense substitutions affecting cysteine residues within these domains are significantly overrepresented among patients with Marfan syndrome (PMID: 16571647, 17701892). For these reasons, this variant has been classified as Pathogenic.

Literature cited by the submitters: PubMed 16905551; PubMed 19349279; PubMed 16571647; PubMed 17701892.

NC_000015.9:g.(?_48744739)_(48760751_?)del

Gene: FBN1 (fibrillin 1; minus strand). Cytogenetic location: 15q21.1.
Variant type: Deletion.
Identifiers: ClinVar variation 3243725 (VCV003243725.1).